The following is an entry in ClinVar:

NM_001853.4(COL9A3):c.46C>T (p.Leu16Phe)

Gene: COL9A3 (collagen type IX alpha 3 chain; plus strand). Cytogenetic location: 20q13.33.
Variant type: single nucleotide variant.
Coding change: c.46C>T on transcript NM_001853.4 (MANE Select); coding-DNA position 46, C replaced by T.
Protein change: p.Leu16Phe; replaces leucine 16 with phenylalanine.
Molecular consequence: missense variant.
Genome position (GRCh38, 1-based): chr20:62,817,110, C>T. VCF-style: chr20-62817110-C-T. GRCh37 (hg19) VCF-style: chr20-61448462-C-T.
Other names: short protein forms L16F.
Identifiers: ClinVar variation 2737336 (VCV002737336.3), dbSNP rs2516015844, ClinGen allele CA409586835.

ClinVar aggregate classification (germline): Uncertain significance (1 of 4 stars; one submission).

Submission:

Labcorp Genetics (formerly Invitae), Labcorp
Classification: Uncertain significance. Last evaluated: 2023-12-31. Review status: criteria provided, single submitter. Criteria: Invitae Variant Classification Sherloc (09022015). Collection method: clinical testing. Allele origin: germline.
Comment: This sequence change replaces leucine, which is neutral and non-polar, with phenylalanine, which is neutral and non-polar, at codon 16 of the COL9A3 protein (p.Leu16Phe). This variant is not present in population databases (gnomAD no frequency). This variant has not been reported in the literature in individuals affected with COL9A3-related conditions. Advanced modeling of protein sequence and biophysical properties (such as structural, functional, and spatial information, amino acid conservation, physicochemical variation, residue mobility, and thermodynamic stability) performed at Invitae indicates that this missense variant is not expected to disrupt COL9A3 protein function with a negative predictive value of 95%. In summary, the available evidence is currently insufficient to determine the role of this variant in disease. Therefore, it has been classified as a Variant of Uncertain Significance.